The following is an entry in ClinVar:

NM_130837.3(OPA1):c.2755C>T (p.Gln919Ter)

Gene: OPA1 (OPA1 mitochondrial dynamin like GTPase; plus strand). Cytogenetic location: 3q29.
Variant type: single nucleotide variant.
Coding change: c.2755C>T on transcript NM_130837.3 (MANE Select); coding-DNA position 2755, C replaced by T.
Protein change: p.Gln919Ter; replaces glutamine 919 with a stop codon.
Molecular consequence: nonsense.
Genome position (GRCh38, 1-based): chr3:193,664,973, C>T. VCF-style: chr3-193664973-C-T. GRCh37 (hg19) VCF-style: chr3-193382762-C-T.
Other names: c.2221C>T, p.Gln741Ter (NM_001354663.2); c.2218C>T, p.Gln740Ter (NM_001354664.2); c.2590C>T, p.Gln864Ter (NM_015560.3); c.2482C>T, p.Gln828Ter (NM_130831.3); c.2536C>T, p.Gln846Ter (NM_130832.3); c.2593C>T, p.Gln865Ter (NM_130833.3); c.2644C>T, p.Gln882Ter (NM_130834.3); c.2647C>T, p.Gln883Ter (NM_130835.3); and 1 more; short protein forms Q740*, Q864*, Q741*, Q828*, Q882*, Q883*, Q919*, Q846*.
Identifiers: ClinVar variation 2734622 (VCV002734622.3), dbSNP rs1716182863, ClinGen allele CA355795560.

ClinVar aggregate classification (germline): Pathogenic (1 of 4 stars; one submission).

Submission:

Labcorp Genetics (formerly Invitae), Labcorp
Classification: Pathogenic. Last evaluated: 2023-10-07. Review status: criteria provided, single submitter. Criteria: Invitae Variant Classification Sherloc (09022015). Collection method: clinical testing. Allele origin: germline.
Comment: This sequence change creates a premature translational stop signal (p.Gln864*) in the OPA1 gene. While this is not anticipated to result in nonsense mediated decay, it is expected to disrupt the last 97 amino acid(s) of the OPA1 protein. This variant is not present in population databases (gnomAD no frequency). This premature translational stop signal has been observed in individual(s) with suspected hereditary optic neuropathy (PMID: 19319978). This variant disrupts a region of the OPA1 protein in which other variant(s) (p.Val903Glyfs*3) have been determined to be pathogenic (PMID: 11017079, 26385429). This suggests that this is a clinically significant region of the protein, and that variants that disrupt it are likely to be disease-causing. For these reasons, this variant has been classified as Pathogenic.

Literature cited by the submitters: PubMed 19319978; PubMed 11017079; PubMed 26385429.